The following is an entry in ClinVar:

NM_001170629.2(CHD8):c.2321A>C (p.Glu774Ala)

Gene: CHD8 (chromodomain helicase DNA binding protein 8; minus strand). Cytogenetic location: 14q11.2.
Variant type: single nucleotide variant.
Coding change: c.2321A>C on transcript NM_001170629.2 (MANE Select); coding-DNA position 2321, A replaced by C.
Protein change: p.Glu774Ala; replaces glutamic acid 774 with alanine.
Molecular consequence: missense variant.
Genome position (GRCh38, 1-based): chr14:21,409,894, T>G on the plus strand (A>C on the coding strand, the complement: CHD8 is on the minus strand). VCF-style: chr14-21409894-T-G. GRCh37 (hg19) VCF-style: chr14-21878053-T-G.
Other names: c.1484A>C, p.Glu495Ala (NM_020920.4); short protein forms E495A, E774A.
Identifiers: ClinVar variation 4083016 (VCV004083016.1).

ClinVar aggregate classification (germline): Uncertain significance (1 of 4 stars; one submission).

gnomAD v4.1: 1 of 1,613,828 alleles (0.000062%); no homozygotes.

Submission:

GeneDx
Classification: Uncertain significance. Last evaluated: 2025-03-11. Review status: criteria provided, single submitter. Criteria: GeneDx Variant Classification Process June 2021. Collection method: clinical testing. Allele origin: germline. Affected: yes.
Comment: Not observed at significant frequency in large population cohorts (gnomAD); In silico analysis supports that this missense variant has a deleterious effect on protein structure/function; Has not been previously published as pathogenic or benign to our knowledge